The following is an entry in ClinVar:

NM_000038.6(APC):c.2133del (p.His712fs)

Gene: APC (APC regulator of Wnt signaling pathway; plus strand). Cytogenetic location: 5q22.2.
Variant type: Deletion.
Coding change: c.2133del on transcript NM_000038.6 (MANE Select); coding-DNA position 2133, one base deleted (T; older notation c.2133delT).
Protein change: p.His712fs; shifts the reading frame from histidine 712.
Molecular consequence: frameshift variant.
Genome position (GRCh38, 1-based): chr5:112,837,727, T deleted; the last of 2 consecutive T bases (chr5:112,837,726-112,837,727); deleting either gives the same sequence. VCF-style (leftmost placement, unchanged base first): chr5-112837725-AT-A. GRCh37 (hg19) VCF-style: chr5-112173422-AT-A.
Other names: c.2133del, p.His712fs (NM_001127510.3, NM_001354895.2); c.2079del, p.His694fs (NM_001127511.3); c.2187del, p.His730fs (NM_001354896.2); c.2163del, p.His722fs (NM_001354897.2); c.2058del, p.His687fs (NM_001354898.2); c.2049del, p.His684fs (NM_001354899.2); c.2010del, p.His671fs (NM_001354900.2); c.1956del, p.His653fs (NM_001354901.2); and 5 more; short protein forms H429fs, H611fs, H653fs, H684fs, H712fs, H722fs, H586fs, H687fs.
Identifiers: ClinVar variation 411466 (VCV000411466.48), dbSNP rs1060503321, ClinGen allele CA16611585.

ClinVar aggregate classification (germline): Pathogenic (1 of 4 stars; one submission).

Conditions:
Familial adenomatous polyposis 1 (FAP1). Also called: FAMILIAL ADENOMATOUS POLYPOSIS 1, ATTENUATED; POLYPOSIS, ADENOMATOUS INTESTINAL. Identifiers: MedGen C2713442, MONDO:0021056, OMIM 175100. Disease mechanism: loss of function.

Submission:

Labcorp Genetics (formerly Invitae), Labcorp
Classification: Pathogenic for Familial adenomatous polyposis 1. Last evaluated: 2016-08-30. Review status: criteria provided, single submitter. Criteria: Invitae Variant Classification Sherloc (09022015). Collection method: clinical testing. Allele origin: germline.
Comment: For these reasons, this variant has been classified as Pathogenic. While this particular variant has not been reported in the literature, loss-of-function variants in APC are known to be pathogenic (PMID: 20685668, 17963004). In addition, numerous pathogenic loss-of-function variants have been reported downstream of this variant (PMID: 20223039). This sequence change deletes 1 nucleotide from exon 16 of the APC mRNA (c.2133delT), causing a frameshift at codon 712. This creates a premature translational stop signal in the last exon of the APC mRNA (p.His712Ilefs*6). While this is not anticipated to result in nonsense mediated decay, it is expected to result in a truncated APC protein by removing ~2125 amino acid residues (~75%) from the full length protein.

Literature cited by the submitters: PubMed 20685668; PubMed 17963004; PubMed 20223039.